The following is an entry in ClinVar:

NM_001160372.4(TRAPPC9):c.44C>T (p.Thr15Met)

Gene: TRAPPC9 (trafficking protein particle complex subunit 9; minus strand). Cytogenetic location: 8q24.3.
Variant type: single nucleotide variant.
Coding change: c.44C>T on transcript NM_001160372.4 (MANE Select); coding-DNA position 44, C replaced by T.
Protein change: p.Thr15Met; replaces threonine 15 with methionine.
Molecular consequence: missense variant. On other transcripts: non-coding transcript variant (1).
Genome position (GRCh38, 1-based): chr8:140,451,330, G>A on the plus strand (C>T on the coding strand, the complement: TRAPPC9 is on the minus strand). VCF-style: chr8-140451330-G-A. GRCh37 (hg19) VCF-style: chr8-141461429-G-A.
Other names: c.44C>T, p.Thr15Met (NM_001321646.2, NM_001374682.1, NM_001374683.1 and 2 more transcripts); short protein forms T15M.
Identifiers: ClinVar variation 212430 (VCV000212430.18), dbSNP rs142839408, ClinGen allele CA209884.

ClinVar aggregate classification (germline): Uncertain significance. Review status: criteria provided, multiple submitters, no conflicts (2 of 4 stars). 4 submissions from 4 submitters: Uncertain significance (4). Last evaluated 2026-03-03.

Conditions:
Inborn genetic diseases. Identifiers: MedGen C0950123, MeSH D030342.

Allele frequency attached by ClinVar (database versions not stated): 1000 Genomes Project 30x 0.00016; gnomAD exomes 0.00017 and 0.00019; ExAC 0.00022; gnomAD 0.00039 and 0.00043; TOPMed 0.00042; ESP Exome Variant Server 0.00054; 1000 Genomes Project 0.00020.
gnomAD v4.1: 332 of 1,606,662 alleles (0.021%); highest among the groups gnomAD compares: African/African-American, 0.092%; no homozygotes.

Submissions (4):

GeneDx
Classification: Uncertain significance. Last evaluated: 2026-03-03. Review status: criteria provided, single submitter. Criteria: GeneDx Variant Classification Process June 2021. Collection method: clinical testing. Allele origin: germline.
Comment: Reported as c.44 C>T p.(Thr15Met) due to alternate nomenclature with a second TRAPPC9 variant, phase unknown, in a patient with intellectual disability, speech delay, truncal obesity, and stereotypic movements (PMID: 35042660); In silico analysis suggests that this missense variant does not alter protein structure/function; This variant is associated with the following publications: (PMID: 35042660)

Ambry Genetics
Classification: Uncertain significance for Inborn genetic diseases. Last evaluated: 2026-01-05. Review status: criteria provided, single submitter. Criteria: Ambry Variant Classification Scheme 2023. Collection method: clinical testing. Allele origin: germline.
Comment: The c.338C>T (p.T113M) alteration is located in exon 2 (coding exon 2) of the TRAPPC9 gene. This alteration results from a C to T substitution at nucleotide position 338, causing the threonine (T) at amino acid position 113 to be replaced by a methionine (M). Based on data from gnomAD, the T allele has an overall frequency of 0.021% (57/272758) total alleles studied. The highest observed frequency was 0.1% (24/24124) of African alleles. Based on insufficient or conflicting evidence, the clinical significance of this alteration remains unclear.

Labcorp Genetics (formerly Invitae), Labcorp
Classification: Uncertain significance. Last evaluated: 2024-12-16. Review status: criteria provided, single submitter. Criteria: Invitae Variant Classification Sherloc (09022015). Collection method: clinical testing. Allele origin: germline.
Comment: This sequence change replaces threonine, which is neutral and polar, with methionine, which is neutral and non-polar, at codon 113 of the TRAPPC9 protein (p.Thr113Met). This variant is present in population databases (rs142839408, gnomAD 0.1%). This missense change has been observed in individual(s) with TRAPPC9-related conditions (PMID: 35042660). ClinVar contains an entry for this variant (Variation ID: 212430). An algorithm developed to predict the effect of missense changes on protein structure and function (PolyPhen-2) suggests that this variant is likely to be disruptive. In summary, the available evidence is currently insufficient to determine the role of this variant in disease. Therefore, it has been classified as a Variant of Uncertain Significance.

Genetic Services Laboratory, University of Chicago
Classification: Uncertain significance. Last evaluated: 2015-06-17. Review status: criteria provided, single submitter. Criteria: ACMG Guidelines, 2015. Collection method: clinical testing. Allele origin: germline.

Literature cited by the submitters: PubMed 35042660 (cited by Ambry Genetics and Labcorp Genetics (formerly Invitae), Labcorp).